The following is an entry in ClinVar:

ClinVar aggregate classification (germline): Pathogenic (1 of 4 stars; one submission).

Submission:

GeneDx
Classification: Pathogenic. Last evaluated: 2019-01-02. Review status: criteria provided, single submitter. Criteria: GeneDx Variant Classification (06012015). Collection method: clinical testing. Allele origin: germline. Affected: yes.
Comment: This pathogenic variant is predicted to cause loss of normal protein function either through protein truncation or nonsense-mediated mRNA decay. The Q460X variant is not observed in large population cohorts (Lek et al., 2016).

NM_001165963.4(SCN1A):c.1378C>T (p.Gln460Ter)

Gene: SCN1A (sodium voltage-gated channel alpha subunit 1; minus strand). Cytogenetic location: 2q24.3.
Variant type: single nucleotide variant.
Coding change: c.1378C>T on transcript NM_001165963.4 (MANE Select); coding-DNA position 1378, C replaced by T.
Protein change: p.Gln460Ter; replaces glutamine 460 with a stop codon.
Molecular consequence: nonsense. On other transcripts: 5 prime UTR variant (1), intron variant (3), non-coding transcript variant (1).
Genome position (GRCh38, 1-based): chr2:166,045,327, G>A on the plus strand (C>T on the coding strand, the complement: SCN1A is on the minus strand). VCF-style: chr2-166045327-G-A. GRCh37 (hg19) VCF-style: chr2-166901837-G-A.
Other names: c.1378C>T, p.Gln460Ter (NM_001165964.3, NM_001202435.3, NM_001353948.2 and 7 more transcripts); c.-1048C>T (NM_001353961.2); c.1378-3C>T (NM_001353954.2, NM_001353955.2, NM_001353960.2); short protein forms Q460*.
Identifiers: ClinVar variation 620092 (VCV000620092.1), dbSNP rs1559221910, ClinGen allele CA349069992.